The following is an entry in ClinVar:

NM_006904.7(PRKDC):c.6048T>G (p.Asn2016Lys)

Gene: PRKDC (protein kinase, DNA-activated, catalytic subunit; minus strand). Cytogenetic location: 8q11.21.
Variant type: single nucleotide variant.
Coding change: c.6048T>G on transcript NM_006904.7 (MANE Select); coding-DNA position 6048, T replaced by G.
Protein change: p.Asn2016Lys; replaces asparagine 2016 with lysine.
Molecular consequence: missense variant.
Genome position (GRCh38, 1-based): chr8:47,860,909, A>C on the plus strand (T>G on the coding strand, the complement: PRKDC is on the minus strand). VCF-style: chr8-47860909-A-C. GRCh37 (hg19) VCF-style: chr8-48773470-A-C.
Other names: c.6048T>G, p.Asn2016Lys (NM_001081640.2); short protein forms N2016K.
Identifiers: ClinVar variation 1398132 (VCV001398132.6), dbSNP rs572298242, ClinGen allele CA4740498.

ClinVar aggregate classification (germline): Uncertain significance (1 of 4 stars; one submission).

Conditions:
Severe combined immunodeficiency due to DNA-PKcs deficiency. Also called: IMMUNODEFICIENCY 26 WITH NEUROLOGIC ABNORMALITIES; Immunodeficiency 26 with or without neurologic abnormalities. Identifiers: Orphanet 317425, MedGen C4014833, MONDO:0014423, OMIM 615966.

Allele frequency attached by ClinVar (database versions not stated): gnomAD 0.00001; gnomAD exomes 0.00004; ExAC 0.00007; 1000 Genomes Project 30x 0.00016; 1000 Genomes Project 0.00020.
gnomAD v4.1: 6 of 1,607,858 alleles (0.00037%); highest among the groups gnomAD compares: East Asian, 0.013%; no homozygotes.

Submission:

Labcorp Genetics (formerly Invitae), Labcorp
Classification: Uncertain significance for Severe combined immunodeficiency due to DNA-PKcs deficiency. Last evaluated: 2022-08-15. Review status: criteria provided, single submitter. Criteria: Invitae Variant Classification Sherloc (09022015). Collection method: clinical testing. Allele origin: germline.
Comment: ClinVar contains an entry for this variant (Variation ID: 1398132). In summary, the available evidence is currently insufficient to determine the role of this variant in disease. Therefore, it has been classified as a Variant of Uncertain Significance. Experimental studies and prediction algorithms are not available or were not evaluated, and the functional significance of this variant is currently unknown. This variant has not been reported in the literature in individuals affected with PRKDC-related conditions. This variant is present in population databases (rs572298242, gnomAD 0.05%). This sequence change replaces asparagine, which is neutral and polar, with lysine, which is basic and polar, at codon 2016 of the PRKDC protein (p.Asn2016Lys).